The following is an entry in ClinVar:

ClinVar aggregate classification (germline): Uncertain significance (1 of 4 stars; one submission).

Conditions:
Wolman disease (WOLD). Also called: Acid cholesteryl ester hydrolase deficiency, Wolman type; Acid lipase disease; LYSOSOMAL ACID LIPASE DEFICIENCY, ACUTE INFANTILE; LYSOSOMAL ACID LIPASE DEFICIENCY, COMPLETE; LIPA DEFICIENCY, COMPLETE; LAL DEFICIENCY, COMPLETE. Identifiers: Orphanet 75233, MedGen C0043208, MONDO:0019148, OMIM 620151.

Allele frequency attached by ClinVar (database versions not stated): gnomAD exomes below 0.00001; ExAC 0.00001; TOPMed 0.00005; gnomAD 0.00003.
gnomAD v4.1: 6 of 1,613,960 alleles (0.00037%); highest among the groups gnomAD compares: Admixed American, 0.005%; no homozygotes.

Submission:

Labcorp Genetics (formerly Invitae), Labcorp
Classification: Uncertain significance for Wolman disease. Last evaluated: 2022-01-11. Review status: criteria provided, single submitter. Criteria: Invitae Variant Classification Sherloc (09022015). Collection method: clinical testing. Allele origin: germline.
Comment: This sequence change replaces isoleucine, which is neutral and non-polar, with valine, which is neutral and non-polar, at codon 369 of the LIPA protein (p.Ile369Val). This variant is present in population databases (rs768436255, gnomAD 0.007%). This variant has not been reported in the literature in individuals affected with LIPA-related conditions. Algorithms developed to predict the effect of missense changes on protein structure and function (SIFT, PolyPhen-2, Align-GVGD) all suggest that this variant is likely to be tolerated. In summary, the available evidence is currently insufficient to determine the role of this variant in disease. Therefore, it has been classified as a Variant of Uncertain Significance.

NM_000235.4(LIPA):c.1105A>G (p.Ile369Val)

Gene: LIPA (lipase A, lysosomal acid type; minus strand). Cytogenetic location: 10q23.31.
Variant type: single nucleotide variant.
Coding change: c.1105A>G on transcript NM_000235.4 (MANE Select); coding-DNA position 1105, A replaced by G.
Protein change: p.Ile369Val; replaces isoleucine 369 with valine.
Molecular consequence: missense variant.
Genome position (GRCh38, 1-based): chr10:89,214,923, T>C on the plus strand (A>G on the coding strand, the complement: LIPA is on the minus strand). VCF-style: chr10-89214923-T-C. GRCh37 (hg19) VCF-style: chr10-90974680-T-C.
Other names: c.1105A>G, p.Ile369Val (NM_001127605.3); c.757A>G, p.Ile253Val (NM_001288979.2); short protein forms I253V, I369V.
Identifiers: ClinVar variation 2162353 (VCV002162353.1), dbSNP rs768436255, ClinGen allele CA5593509.